The following is an entry in ClinVar:

ClinVar aggregate classification (germline): Uncertain significance (1 of 4 stars; one submission).

Conditions:
Inborn genetic diseases. Identifiers: MedGen C0950123, MeSH D030342.

Submission:

Ambry Genetics
Classification: Uncertain significance for Inborn genetic diseases. Last evaluated: 2026-07-22. Review status: criteria provided, single submitter. Criteria: Ambry Variant Classification Scheme 2023. Collection method: clinical testing. Allele origin: germline.
Comment: The p.L711H variant (also known as c.2132T>A), located in coding exon 20 of the ANKRD26 gene, results from a T to A substitution at nucleotide position 2132. The leucine at codon 711 is replaced by histidine, an amino acid with similar properties. This amino acid position is conserved. In addition, this alteration is predicted to be tolerated by in silico analysis. Based on the available evidence, the clinical significance of this variant remains unclear.

NM_014915.3(ANKRD26):c.2132T>A (p.Leu711His)

Gene: ANKRD26 (ankyrin repeat domain 26; minus strand). Cytogenetic location: 10p12.1.
Variant type: single nucleotide variant.
Coding change: c.2132T>A on transcript NM_014915.3 (MANE Select); coding-DNA position 2132, T replaced by A.
Protein change: p.Leu711His; replaces leucine 711 with histidine.
Molecular consequence: missense variant.
Genome position (GRCh38, 1-based): chr10:27,043,455, A>T on the plus strand (T>A on the coding strand, the complement: ANKRD26 is on the minus strand). VCF-style: chr10-27043455-A-T. GRCh37 (hg19) VCF-style: chr10-27332384-A-T.
Other names: c.2129T>A, p.Leu710His (NM_001256053.2); short protein forms L710H, L711H.
Identifiers: ClinVar variation 5023252 (VCV005023252.1).
Genomic context (GRCh38, chr10:27,043,455, plus strand): 5'-AAAAGGCCTTAAATTTATGCAATGGTCCTACCTTTACACTCCATTCCAAGTTGTTCAATG[A>T]GCAACATAAAATTCTTGTAACTAGAGTGGGGTAGCTCACAATCCTCTGAGGCTGTTTCAG-3'
Protein context (NP_055730.2, residues 701-721): PHSSYKNFML[Leu711His]IEQLGMECKD